The following is an entry in ClinVar:

NM_130384.3(ATRIP):c.1778G>A (p.Cys593Tyr)

Genes: ATRIP (ATR interacting protein; plus strand), ATRIP-TREX1 (ATRIP-TREX1 readthrough; plus strand). Cytogenetic location: 3p21.31.
Variant type: single nucleotide variant.
Coding change: c.1778G>A on transcript NM_130384.3 (MANE Select); coding-DNA position 1778, G replaced by A.
Protein change: p.Cys593Tyr; replaces cysteine 593 with tyrosine.
Molecular consequence: missense variant. On other transcripts: non-coding transcript variant (1).
Genome position (GRCh38, 1-based): chr3:48,463,777, G>A. VCF-style: chr3-48463777-G-A. GRCh37 (hg19) VCF-style: chr3-48505176-G-A.
Other names: c.1397G>A, p.Cys466Tyr (NM_001271022.2); c.1499G>A, p.Cys500Tyr (NM_001271023.2); c.1778G>A, p.Cys593Tyr (NM_032166.4); short protein forms C500Y, C466Y, C593Y.
Identifiers: ClinVar variation 4182745 (VCV004182745.1).

ClinVar aggregate classification (germline): Uncertain significance (1 of 4 stars; one submission).

Submission:

Ambry Genetics
Classification: Uncertain significance. Last evaluated: 2025-09-01. Review status: criteria provided, single submitter. Criteria: Ambry Variant Classification Scheme 2023. Collection method: clinical testing. Allele origin: germline.
Comment: The p.C593Y variant (also known as c.1778G>A), located in coding exon 9 of the ATRIP gene, results from a G to A substitution at nucleotide position 1778. The cysteine at codon 593 is replaced by tyrosine, an amino acid with highly dissimilar properties. This amino acid position is conserved. In addition, this alteration is predicted to be deleterious by in silico analysis. Based on the available evidence, the clinical significance of this variant remains unclear.